The following is an entry in ClinVar:

ClinVar aggregate classification (germline): Uncertain significance. Review status: criteria provided, multiple submitters, no conflicts (2 of 4 stars). 2 submissions from 2 submitters: Uncertain significance (2). Last evaluated 2025-12-18.

Conditions:
LAMA2-related muscular dystrophy (LAMA2-RD). Also called: Laminin alpha 2-related dystrophy. Identifiers: MedGen C5679788, MONDO:0100228.

Submissions (2):

Myriad Genetics, Inc.
Classification: Uncertain significance for LAMA2-related muscular dystrophy. Last evaluated: 2025-12-18. Review status: criteria provided, single submitter. Criteria: Myriad Autosomal Dominant, Autosomal Recessive and X-Linked Classification Criteria (2023). Collection method: clinical testing. Allele origin: unknown.
Comment: NM_000426.3(LAMA2):c.9310_9313dupAATT(F3105*) is a nonsense variant classified as a variant of uncertain significance in the context of muscular dystrophy, LAMA2-related. F3105* has not been observed in cases with relevant disease. Relevant functional assessments of this variant are not available in the literature. F3105* has not been observed in referenced population frequency databases. In summary, there is insufficient evidence to classify NM_000426.3(LAMA2):c.9310_9313dupAATT(F3105*) as pathogenic or benign. Please note: this variant was assessed in the context of healthy population screening.

Labcorp Genetics (formerly Invitae), Labcorp
Classification: Uncertain significance for LAMA2-related muscular dystrophy. Last evaluated: 2022-06-11. Review status: criteria provided, single submitter. Criteria: Invitae Variant Classification Sherloc (09022015). Collection method: clinical testing. Allele origin: germline.
Comment: This sequence change creates a premature translational stop signal (p.Phe3105*) in the LAMA2 gene. While this is not anticipated to result in nonsense mediated decay, it is expected to disrupt the last 18 amino acid(s) of the LAMA2 protein. This variant is not present in population databases (gnomAD no frequency). This variant has not been reported in the literature in individuals affected with LAMA2-related conditions. Experimental studies and prediction algorithms are not available or were not evaluated, and the functional significance of this variant is currently unknown. In summary, the available evidence is currently insufficient to determine the role of this variant in disease. Therefore, it has been classified as a Variant of Uncertain Significance.

NM_000426.4(LAMA2):c.9310_9313dup (p.Phe3105Ter)

Gene: LAMA2 (laminin subunit alpha 2; plus strand). Cytogenetic location: 6q22.33.
Variant type: Duplication.
Coding change: c.9310_9313dup on transcript NM_000426.4 (MANE Select); coding-DNA positions 9310 to 9313, 4 bases duplicated (AATT; older notation c.9310_9313dupAATT).
Protein change: p.Phe3105Ter; replaces phenylalanine 3105 with a stop codon.
Molecular consequence: nonsense.
Genome position (GRCh38, 1-based): chr6:129,516,288-129,516,291, AATT duplicated; duplicating any 4 consecutive bases within chr6:129,516,286-129,516,291 gives the same sequence; the c. name uses the placement nearest the transcript's 3' end. VCF-style (leftmost placement, unchanged base first): chr6-129516285-G-GTTAA. GRCh37 (hg19) VCF-style: chr6-129837430-G-GTTAA.
Other names: c.9298_9301dup, p.Phe3101Ter (NM_001079823.2); short protein forms F3101*, F3105*.
Identifiers: ClinVar variation 1980771 (VCV001980771.2), dbSNP rs2533609143, ClinGen allele CA1139770365.